The following is an entry in ClinVar:

ClinVar aggregate classification (germline): Benign/Likely benign. Review status: criteria provided, multiple submitters, no conflicts (2 of 4 stars). 4 submissions from 4 submitters: Benign (1); Likely benign (3). Last evaluated 2025-10-29.

Conditions:
Cardiomyopathy (CMYO). Also called: Cardiomyopathies. Identifiers: Orphanet 167848, MedGen C0878544, MONDO:0004994, HP:0001638. Inheritance: Various modes of inheritance.
Arrhythmogenic right ventricular dysplasia 10. Also called: ARRHYTHMOGENIC RIGHT VENTRICULAR DYSPLASIA, FAMILIAL, 10; Arrhythmogenic right ventricular dysplasia/cardiomyopathy, type 10; Arrhythmogenic Right Ventricular Dysplasia/Cardiomyopathy10. Identifiers: MedGen C1857777, MONDO:0012434, OMIM 610193.

Allele frequency attached by ClinVar (database versions not stated): gnomAD exomes below 0.00001.
gnomAD v4.1: 1 of 1,613,506 alleles (0.000062%); highest among the groups gnomAD compares: East Asian, 0.0022%; no homozygotes.

Submissions (4):

Labcorp Genetics (formerly Invitae), Labcorp
Classification: Likely benign for Arrhythmogenic right ventricular dysplasia 10. Last evaluated: 2025-10-29. Review status: criteria provided, single submitter. Criteria: Invitae Variant Classification Sherloc (09022015). Collection method: clinical testing. Allele origin: germline.

Color Diagnostics, LLC DBA Color Health
Classification: Likely benign for Cardiomyopathy. Last evaluated: 2020-03-17. Review status: criteria provided, single submitter. Criteria: ACMG Guidelines, 2015. Collection method: clinical testing. Allele origin: germline.

GeneDx
Classification: Benign. Last evaluated: 2015-03-03. Review status: criteria provided, single submitter. Criteria: GeneDx Variant Classification Process June 2021. Collection method: clinical testing. Allele origin: germline. Affected: yes.

Laboratory for Molecular Medicine, Mass General Brigham Personalized Medicine
Classification: Likely benign. Last evaluated: 2011-12-23. Review status: criteria provided, single submitter. Criteria: LMM Criteria. Collection method: clinical testing. Allele origin: germline. Observed: 1 variant allele.
Comment: Ala206Ala in exon 6 in DSG2: This variant is not expected to have clinical signi ficance because it does not alter an amino acid residue and is not located withi n the splice consensus sequence. Ala206Ala in exon 6 in DSG2 (allele frequency = n/a)

NM_001943.5(DSG2):c.618T>A (p.Ala206=)

Gene: DSG2 (desmoglein 2; plus strand). Cytogenetic location: 18q12.1.
Variant type: single nucleotide variant.
Coding change: c.618T>A on transcript NM_001943.5 (MANE Select); coding-DNA position 618, T replaced by A.
Protein change: p.Ala206=; no amino-acid change (alanine 206 retained).
Molecular consequence: synonymous variant.
Genome position (GRCh38, 1-based): chr18:31,522,177, T>A. VCF-style: chr18-31522177-T-A. GRCh37 (hg19) VCF-style: chr18-29102140-T-A.
Identifiers: ClinVar variation 44325 (VCV000044325.15), dbSNP rs397516710, ClinGen allele CA022215.
Genomic context (GRCh38, chr18:31,522,177, plus strand): 5'-AGATGAGCCCAATACCCTGAATTCGAAAATTTCCTATAGAATCGTATCTCTGGAGCCTGC[T>A]TATCCTCCAGTGTTCTACCTAAATAAAGATACAGGAGAGATTTATACAACCAGTGTTACC-3'
Protein context (NP_001934.2, residues 196-216): ISYRIVSLEP[Ala206=]YPPVFYLNKD